The following is an entry in ClinVar:

ClinVar aggregate classification (germline): Uncertain significance. Review status: criteria provided, multiple submitters, no conflicts (2 of 4 stars). 4 submissions from 4 submitters: Uncertain significance (4). Last evaluated 2025-02-16.

Conditions:
Hereditary breast ovarian cancer syndrome. Also called: Hereditary breast and ovarian cancer; Hereditary breast and/or ovarian cancer syndrome; BRCA1- and BRCA2-Associated Hereditary Breast and Ovarian Cancer; Breast and ovarian cancer; Hereditary breast and ovarian cancer syndrome; Hereditary breast and ovarian cancer syndrome (HBOC). Identifiers: Orphanet 145, MedGen C0677776, MeSH D061325, MONDO:0003582. Disease mechanism: loss of function.
Hereditary cancer-predisposing syndrome. Also called: Neoplastic Syndromes, Hereditary; Tumor predisposition; Hereditary Cancer Syndrome; Hereditary neoplastic syndrome. Identifiers: Orphanet 140162, MedGen C0027672, MeSH D009386, MONDO:0015356.

Allele frequency attached by ClinVar (database versions not stated): gnomAD 0.00001.
gnomAD v4.1: 2 of 1,614,078 alleles (0.00012%); highest among the groups gnomAD compares: Non-Finnish European, 0.00017%; no homozygotes.

Submissions (4):

Laboratory of Genetics, Children's Clinical University Hospital Latvia
Classification: Uncertain significance. Last evaluated: 2025-02-16. Review status: criteria provided, single submitter. Criteria: ACMG Guidelines, 2015. Collection method: clinical testing. Allele origin: germline. Affected: yes.

Ambry Genetics
Classification: Uncertain significance for Hereditary cancer-predisposing syndrome. Last evaluated: 2024-07-19. Review status: criteria provided, single submitter. Criteria: Ambry Variant Classification Scheme 2023. Collection method: clinical testing. Allele origin: germline.
Comment: The p.I2719T variant (also known as c.8156T>C), located in coding exon 17 of the BRCA2 gene, results from a T to C substitution at nucleotide position 8156. The isoleucine at codon 2719 is replaced by threonine, an amino acid with similar properties. This amino acid position is not well conserved in available vertebrate species. In addition, the in silico prediction for this alteration is inconclusive. Based on the available evidence, the clinical significance of this variant remains unclear.

Labcorp Genetics (formerly Invitae), Labcorp
Classification: Uncertain significance for Hereditary breast ovarian cancer syndrome. Last evaluated: 2023-11-19. Review status: criteria provided, single submitter. Criteria: Invitae Variant Classification Sherloc (09022015). Collection method: clinical testing. Allele origin: germline.
Comment: This sequence change replaces isoleucine, which is neutral and non-polar, with threonine, which is neutral and polar, at codon 2719 of the BRCA2 protein (p.Ile2719Thr). This variant is present in population databases (rs28897748, gnomAD 0.01%). This missense change has been observed in individual(s) with clinical features of BRCA2-related conditions (Invitae). ClinVar contains an entry for this variant (Variation ID: 834531). Advanced modeling of protein sequence and biophysical properties (such as structural, functional, and spatial information, amino acid conservation, physicochemical variation, residue mobility, and thermodynamic stability) performed at Invitae indicates that this missense variant is not expected to disrupt BRCA2 protein function with a negative predictive value of 95%. In summary, the available evidence is currently insufficient to determine the role of this variant in disease. Therefore, it has been classified as a Variant of Uncertain Significance.

Blueprint Genetics
Classification: Uncertain significance. Last evaluated: 2022-10-27. Review status: criteria provided, single submitter. Criteria: ACMG Guidelines, 2015. Collection method: clinical testing. Allele origin: germline.

NM_000059.4(BRCA2):c.8156T>C (p.Ile2719Thr)

Gene: BRCA2 (BRCA2 DNA repair associated; plus strand). Cytogenetic location: 13q13.1.
Variant type: single nucleotide variant.
Coding change: c.8156T>C on transcript NM_000059.4 (MANE Select); coding-DNA position 8156, T replaced by C.
Protein change: p.Ile2719Thr; replaces isoleucine 2719 with threonine.
Molecular consequence: missense variant.
Genome position (GRCh38, 1-based): chr13:32,363,358, T>C. VCF-style: chr13-32363358-T-C. GRCh37 (hg19) VCF-style: chr13-32937495-T-C.
Other names: short protein forms I2719T.
Identifiers: ClinVar variation 834531 (VCV000834531.13), dbSNP rs28897748, ClinGen allele CA247477789.